The following is an entry in ClinVar:

NM_017780.4(CHD7):c.4858C>T (p.Arg1620Trp)

Gene: CHD7 (chromodomain helicase DNA binding protein 7; plus strand). Cytogenetic location: 8q12.2.
Variant type: single nucleotide variant.
Coding change: c.4858C>T on transcript NM_017780.4 (MANE Select); coding-DNA position 4858, C replaced by T.
Protein change: p.Arg1620Trp; replaces arginine 1620 with tryptophan.
Molecular consequence: missense variant. On other transcripts: intron variant (1).
Genome position (GRCh38, 1-based): chr8:60,844,871, C>T. VCF-style: chr8-60844871-C-T. GRCh37 (hg19) VCF-style: chr8-61757430-C-T.
Other names: c.4858C>T (LRG_176t1); c.1717-17358C>T (NM_001316690.1); short protein forms R1620W.
Identifiers: ClinVar variation 422663 (VCV000422663.4), dbSNP rs986373484, ClinGen allele CA16618672.

ClinVar aggregate classification (germline): Uncertain significance. Review status: criteria provided, multiple submitters, no conflicts (2 of 4 stars). 2 submissions from 2 submitters: Uncertain significance (2). Last evaluated 2018-11-21.

Conditions:
Inborn genetic diseases. Identifiers: MedGen C0950123, MeSH D030342.

Allele frequency attached by ClinVar (database versions not stated): gnomAD exomes below 0.00001.
gnomAD v4.1: 1 of 1,593,406 alleles (0.000063%); highest among the groups gnomAD compares: Non-Finnish European, 0.000086%; no homozygotes.

Submissions (2):

GeneDx
Classification: Uncertain significance. Last evaluated: 2018-11-21. Review status: criteria provided, single submitter. Criteria: GeneDx Variant Classification (06012015). Collection method: clinical testing. Allele origin: germline. Affected: yes.
Comment: The R1620W variant in the CHD7 gene has not been reported previously as a pathogenic variant, nor as a benign variant, to our knowledge. The R1620W variant was not observed in approximately 6100 individuals of European and African American ancestry in the NHLBI Exome Sequencing Project, indicating it is not a common benign variant in these populations. The R1620W variant is a non-conservative amino acid substitution, which is likely to impact secondary protein structure as these residues differ in polarity, charge, size and/or other properties. This substitution occurs at a position that is conserved across species. In silico analysis predicts this variant is probably damaging to the protein structure/function. We interpret R1620W as a variant of uncertain significance,

Ambry Genetics
Classification: Uncertain significance for Inborn genetic diseases. Last evaluated: 2018-07-13. Review status: criteria provided, single submitter. Criteria: Ambry Variant Classification Scheme 2023. Collection method: clinical testing. Allele origin: germline.
Comment: The p.R1620W variant (also known as c.4858C>T), located in coding exon 21 of the CHD7 gene, results from a C to T substitution at nucleotide position 4858. The arginine at codon 1620 is replaced by tryptophan, an amino acid with dissimilar properties. This amino acid position is highly conserved in available vertebrate species. In addition, this alteration is predicted to be deleterious by in silico analysis. Since supporting evidence is limited at this time, the clinical significance of this alteration remains unclear.